The following is an entry in ClinVar:

ClinVar aggregate classification (germline): Likely benign. Review status: criteria provided, multiple submitters, no conflicts (2 of 4 stars). 2 submissions from 2 submitters: Likely benign (2). Last evaluated 2017-04-27.

Conditions:
Isolated microphthalmia 3 (MCOPS16). Also called: MICROPHTHALMIA, SYNDROMIC 16. Identifiers: Orphanet 2542, MedGen C5774181, MONDO:0012604, OMIM 611038.

Allele frequency attached by ClinVar (database versions not stated): gnomAD exomes 0.11111; gnomAD 0.15606 and 0.15767; TOPMed 0.17125; 1000 Genomes Project 30x 0.21268; 1000 Genomes Project 0.21446.
gnomAD v4.1: 23,416 of 148,648 alleles (16%); highest among the groups gnomAD compares: Admixed American, 26%; 2,299 homozygotes.

Submissions (2):

Illumina Laboratory Services, Illumina
Classification: Likely benign for Isolated microphthalmia 3. Last evaluated: 2017-04-27. Review status: criteria provided, single submitter. Criteria: ICSL Variant Classification Criteria 13 December 2019. Collection method: clinical testing. Allele origin: germline.
Comment: This variant was observed as part of a predisposition screen in an ostensibly healthy population. A literature search was performed for the gene, cDNA change, and amino acid change (where applicable). No publications were found based on this search. Allele frequency data from public databases allowed determination this variant is unlikely to cause disease. Therefore, this variant is classified as likely benign.

Breakthrough Genomics
Classification: Likely benign. Review status: criteria provided, single submitter. Criteria: ACMG Guidelines, 2015. Collection method: not provided. Allele origin: germline. Inheritance: Autosomal recessive inheritance. Affected: yes.

NM_013435.3(RAX):c.*1319C>T

Gene: RAX (retina and anterior neural fold homeobox; minus strand). Cytogenetic location: 18q21.32.
Variant type: single nucleotide variant.
Coding change: c.*1319C>T on transcript NM_013435.3 (MANE Select); 1319 bases downstream of the stop codon, C replaced by T.
Molecular consequence: 3 prime UTR variant.
Genome position (GRCh38, 1-based): chr18:59,267,685, G>A on the plus strand (C>T on the coding strand, the complement: RAX is on the minus strand). VCF-style: chr18-59267685-G-A. GRCh37 (hg19) VCF-style: chr18-56934917-G-A.
Identifiers: ClinVar variation 327519 (VCV000327519.6), dbSNP rs78384549, ClinGen allele CA10651974.
Genomic context (GRCh38, chr18:59,267,685, plus strand): 5'-GTGGACGCCCCCCCCCCCCCCGTGCCAGGACCTGTTGGCGGGCATCCAGGTTCTGCTGGC[G>A]GTCGCCCAGCTTCCAGTGTCAACGGTGGATATCGAGCACGCTCAGGCGGGAGTCCGGGAC-3'